The following is an entry in ClinVar:

ClinVar aggregate classification (germline): Uncertain significance (1 of 4 stars; one submission).

Conditions:
Hepatic veno-occlusive disease-immunodeficiency syndrome. Also called: Hepatic Veno-Occlusive Disease with Immunodeficiency. Identifiers: Orphanet 79124, MedGen C1856128, MONDO:0009338, OMIM 235550. Disease mechanism: loss of function.

Submission:

Labcorp Genetics (formerly Invitae), Labcorp
Classification: Uncertain significance for Hepatic veno-occlusive disease-immunodeficiency syndrome. Last evaluated: 2018-08-26. Review status: criteria provided, single submitter. Criteria: Invitae Variant Classification Sherloc (09022015). Collection method: clinical testing. Allele origin: germline.
Comment: This sequence change replaces glycine with glutamic acid at codon 450 of the SP110 protein (p.Gly450Glu). The glycine residue is weakly conserved and there is a moderate physicochemical difference between glycine and glutamic acid. This variant is not present in population databases (ExAC no frequency). This variant has not been reported in the literature in individuals with SP110-related disease. Algorithms developed to predict the effect of missense changes on protein structure and function output the following: SIFT: "Tolerated"; PolyPhen-2: "Benign"; Align-GVGD: "Class C0". The glutamic acid amino acid residue is found in multiple mammalian species, suggesting that this missense change does not adversely affect protein function. These predictions have not been confirmed by published functional studies and their clinical significance is uncertain. Algorithms developed to predict the effect of sequence changes on RNA splicing suggest that this variant may disrupt the consensus splice site, but this prediction has not been confirmed by published transcriptional studies. In summary, the available evidence is currently insufficient to determine the role of this variant in disease. Therefore, it has been classified as a Variant of Uncertain Significance.

NM_080424.4(SP110):c.1349G>A (p.Gly450Glu)

Gene: SP110 (SP110 nuclear body protein; minus strand). Cytogenetic location: 2q37.1.
Variant type: single nucleotide variant.
Coding change: c.1349G>A on transcript NM_080424.4 (MANE Select); coding-DNA position 1349, G replaced by A.
Protein change: p.Gly450Glu; replaces glycine 450 with glutamic acid.
Molecular consequence: missense variant.
Genome position (GRCh38, 1-based): chr2:230,178,255, C>T on the plus strand (G>A on the coding strand, the complement: SP110 is on the minus strand). VCF-style: chr2-230178255-C-T. GRCh37 (hg19) VCF-style: chr2-231042971-C-T.
Other names: c.1367G>A, p.Gly456Glu (NM_001185015.2, NM_001378442.1, NM_001378444.1 and 2 more transcripts); c.1349G>A, p.Gly450Glu (NM_001378443.1, NM_004509.5, NM_004510.4); c.1199G>A, p.Gly400Glu (NM_001378447.1); short protein forms G450E, G456E, G400E.
Identifiers: ClinVar variation 641367 (VCV000641367.8), dbSNP rs200662686, ClinGen allele CA66735904.